The following is an entry in ClinVar:

ClinVar aggregate classification (germline): Uncertain significance. Review status: criteria provided, multiple submitters, no conflicts (2 of 4 stars). 2 submissions from 2 submitters: Uncertain significance (2). Last evaluated 2025-10-24.

Conditions:
COG7 congenital disorder of glycosylation (CDG2E). Also called: CONGENITAL DISORDER OF GLYCOSYLATION, TYPE IIe; CDG IIe. Identifiers: Orphanet 79333, MedGen C2931010, MONDO:0012118, OMIM 608779.
Inborn genetic diseases. Identifiers: MedGen C0950123, MeSH D030342.

gnomAD v4.1: 2 of 1,613,870 alleles (0.00012%); highest among the groups gnomAD compares: African/African-American, 0.0013%; no homozygotes.

Submissions (2):

Ambry Genetics
Classification: Uncertain significance for Inborn genetic diseases. Last evaluated: 2025-10-24. Review status: criteria provided, single submitter. Criteria: Ambry Variant Classification Scheme 2023. Collection method: clinical testing. Allele origin: germline.

Labcorp Genetics (formerly Invitae), Labcorp
Classification: Uncertain significance for COG7 congenital disorder of glycosylation. Last evaluated: 2024-09-06. Review status: criteria provided, single submitter. Criteria: Invitae Variant Classification Sherloc (09022015). Collection method: clinical testing. Allele origin: germline.
Comment: This sequence change replaces asparagine, which is neutral and polar, with lysine, which is basic and polar, at codon 527 of the COG7 protein (p.Asn527Lys). This variant is present in population databases (rs776885702, gnomAD 0.007%). This variant has not been reported in the literature in individuals affected with COG7-related conditions. Invitae Evidence Modeling of protein sequence and biophysical properties (such as structural, functional, and spatial information, amino acid conservation, physicochemical variation, residue mobility, and thermodynamic stability) indicates that this missense variant is expected to disrupt COG7 protein function with a positive predictive value of 80%. In summary, the available evidence is currently insufficient to determine the role of this variant in disease. Therefore, it has been classified as a Variant of Uncertain Significance.

NM_153603.4(COG7):c.1581C>A (p.Asn527Lys)

Gene: COG7 (component of oligomeric golgi complex 7; minus strand). Cytogenetic location: 16p12.2.
Variant type: single nucleotide variant.
Coding change: c.1581C>A on transcript NM_153603.4 (MANE Select); coding-DNA position 1581, C replaced by A.
Protein change: p.Asn527Lys; replaces asparagine 527 with lysine.
Molecular consequence: missense variant.
Genome position (GRCh38, 1-based): chr16:23,406,157, G>T on the plus strand (C>A on the coding strand, the complement: COG7 is on the minus strand). VCF-style: chr16-23406157-G-T. GRCh37 (hg19) VCF-style: chr16-23417478-G-T.
Other names: c.1581C>A (NM_153603.3); short protein forms N527K.
Identifiers: ClinVar variation 3613837 (VCV003613837.3).